The following is an entry in ClinVar:

NM_006662.3(SRCAP):c.257G>C (p.Gly86Ala)

Gene: SRCAP (Snf2 related CREBBP activator protein; plus strand). Cytogenetic location: 16p11.2.
Variant type: single nucleotide variant.
Coding change: c.257G>C on transcript NM_006662.3 (MANE Select); coding-DNA position 257, G replaced by C.
Protein change: p.Gly86Ala; replaces glycine 86 with alanine.
Molecular consequence: missense variant.
Genome position (GRCh38, 1-based): chr16:30,704,266, G>C. VCF-style: chr16-30704266-G-C. GRCh37 (hg19) VCF-style: chr16-30715587-G-C.
Other names: short protein forms G86A.
Identifiers: ClinVar variation 1308276 (VCV001308276.2), dbSNP rs2151284707, ClinGen allele CA395597314.

ClinVar aggregate classification (germline): Uncertain significance (1 of 4 stars; one submission).

Submission:

GeneDx
Classification: Uncertain significance. Last evaluated: 2022-12-16. Review status: criteria provided, single submitter. Criteria: GeneDx Variant Classification Process June 2021. Collection method: clinical testing. Allele origin: germline. Affected: yes.
Comment: Not observed in large population cohorts (gnomAD; McVean et al., 2012; Exome Variant Server); In silico analysis, which includes protein predictors and evolutionary conservation, supports a deleterious effect; Has not been previously published as pathogenic or benign to our knowledge